The following is an entry in ClinVar:

ClinVar aggregate classification (germline): Uncertain significance (1 of 4 stars; one submission).

Allele frequency attached by ClinVar (database versions not stated): TOPMed below 0.00001.

Submission:

GeneDx
Classification: Uncertain significance. Last evaluated: 2022-05-17. Review status: criteria provided, single submitter. Criteria: GeneDx Variant Classification Process June 2021. Collection method: clinical testing. Allele origin: germline. Affected: yes.
Comment: Not observed at significant frequency in large population cohorts (gnomAD); In silico analysis supports that this missense variant does not alter protein structure/function; Has not been previously published as pathogenic or benign to our knowledge

NM_014727.3(KMT2B):c.1601C>T (p.Ala534Val)

Gene: KMT2B (lysine methyltransferase 2B; plus strand). Cytogenetic location: 19q13.12.
Variant type: single nucleotide variant.
Coding change: c.1601C>T on transcript NM_014727.3 (MANE Select); coding-DNA position 1601, C replaced by T.
Protein change: p.Ala534Val; replaces alanine 534 with valine.
Molecular consequence: missense variant.
Genome position (GRCh38, 1-based): chr19:35,720,948, C>T. VCF-style: chr19-35720948-C-T. GRCh37 (hg19) VCF-style: chr19-36211850-C-T.
Other names: short protein forms A534V.
Identifiers: ClinVar variation 1800914 (VCV001800914.1), dbSNP rs1379320589, ClinGen allele CA405392349.